The following is an entry in ClinVar:

NM_001394062.1(MACF1):c.22511T>G (p.Leu7504Arg)

Gene: MACF1 (microtubule actin crosslinking factor 1; plus strand). Cytogenetic location: 1p34.3.
Variant type: single nucleotide variant.
Coding change: c.22511T>G on transcript NM_001394062.1 (MANE Select); coding-DNA position 22511, T replaced by G.
Protein change: p.Leu7504Arg; replaces leucine 7504 with arginine.
Molecular consequence: missense variant.
Genome position (GRCh38, 1-based): chr1:39,485,637, T>G. VCF-style: chr1-39485637-T-G. GRCh37 (hg19) VCF-style: chr1-39951309-T-G.
Other names: c.10391T>G, p.Leu3464Arg (NM_001397473.1); c.16136T>G, p.Leu5379Arg (NM_012090.5); short protein forms L3464R, L5379R, L7504R.
Identifiers: ClinVar variation 4714345 (VCV004714345.1).

ClinVar aggregate classification (germline): Uncertain significance (1 of 4 stars; one submission).

gnomAD v4.1: 2 of 1,614,106 alleles (0.00012%); highest among the groups gnomAD compares: Non-Finnish European, 0.00017%; no homozygotes.

Submission:

Labcorp Genetics (formerly Invitae), Labcorp
Classification: Uncertain significance. Last evaluated: 2025-05-12. Review status: criteria provided, single submitter. Criteria: Invitae Variant Classification Sherloc (09022015). Collection method: clinical testing. Allele origin: germline.
Comment: This sequence change replaces leucine, which is neutral and non-polar, with arginine, which is basic and polar, at codon 5379 of the MACF1 protein (p.Leu5379Arg). This variant is present in population databases (rs774781135, gnomAD 0.002%). This variant has not been reported in the literature in individuals affected with MACF1-related conditions. An algorithm developed to predict the effect of missense changes on protein structure and function (PolyPhen-2) suggests that this variant is likely to be disruptive. In summary, the available evidence is currently insufficient to determine the role of this variant in disease. Therefore, it has been classified as a Variant of Uncertain Significance.